The following is an entry in ClinVar:

NM_000371.4(TTR):c.232C>G (p.Leu78Val)

Gene: TTR (transthyretin; plus strand). Cytogenetic location: 18q12.1.
Variant type: single nucleotide variant.
Coding change: c.232C>G on transcript NM_000371.4 (MANE Select); coding-DNA position 232, C replaced by G.
Protein change: p.Leu78Val; replaces leucine 78 with valine.
Molecular consequence: missense variant.
Genome position (GRCh38, 1-based): chr18:31,595,151, C>G. VCF-style: chr18-31595151-C-G. GRCh37 (hg19) VCF-style: chr18-29175114-C-G.
Other names: short protein forms L78V.
Identifiers: ClinVar variation 1799566 (VCV001799566.3), dbSNP rs2510933010, ClinGen allele CA402156949.

ClinVar aggregate classification (germline): Likely pathogenic. Review status: criteria provided, single submitter (1 of 4 stars). 2 submissions from 2 submitters: Likely pathogenic (1). 1 of the submissions does not count toward it. Last evaluated 2025-01-31.

Conditions:
Amyloidosis, hereditary systemic 1 (AMYLD1). Also called: Hereditary oculoleptomeningeal amyloid angiopathy; Familial Transthyretin Amyloidosis; Hereditary Transthyretin Amyloidosis; Isolated Cardiac Amyloidosis; Amyloid Cardiomyopathy, Transthyretin-related; Familial amyloid polyneuropathy. Identifiers: Orphanet 85447, Orphanet 85451, MedGen C2751492, MONDO:0971004, OMIM 105210.

Submissions (2):

Labcorp Genetics (formerly Invitae), Labcorp
Classification: Likely pathogenic for Amyloidosis, hereditary systemic 1. Last evaluated: 2025-01-31. Review status: criteria provided, single submitter. Criteria: Invitae Variant Classification Sherloc (09022015). Collection method: clinical testing. Allele origin: germline.
Comment: This sequence change replaces leucine, which is neutral and non-polar, with valine, which is neutral and non-polar, at codon 78 of the TTR protein (p.Leu78Val). This variant is not present in population databases (gnomAD no frequency). This variant has not been reported in the literature in individuals affected with TTR-related conditions. ClinVar contains an entry for this variant (Variation ID: 1799566). Invitae Evidence Modeling of protein sequence and biophysical properties (such as structural, functional, and spatial information, amino acid conservation, physicochemical variation, residue mobility, and thermodynamic stability) indicates that this missense variant is expected to disrupt TTR protein function with a positive predictive value of 95%. This variant disrupts the p.Leu78 amino acid residue in TTR. Other variant(s) that disrupt this residue have been determined to be pathogenic (PMID: 2613237, 9196903, 17503405, 20209591, 25526974, 27724962). This suggests that this residue is clinically significant, and that variants that disrupt this residue are likely to be disease-causing. In summary, the currently available evidence indicates that the variant is pathogenic, but additional data are needed to prove that conclusively. Therefore, this variant has been classified as Likely Pathogenic.

Molecular Genetics Laboratory, BC Children's and BC Women's Hospitals
Classification: Uncertain significance for Amyloidosis, hereditary systemic 1. Last evaluated: 2021-12-10. Review status: no assertion criteria provided. Criteria: ACMG Guidelines, 2015. Collection method: clinical testing. Allele origin: germline. Affected: yes. Not counted in ClinVar's aggregate classification.

Literature cited by the submitters: PubMed 2613237 (cited by Labcorp Genetics (formerly Invitae), Labcorp); PubMed 9196903 (cited by Labcorp Genetics (formerly Invitae), Labcorp); PubMed 17503405 (cited by Labcorp Genetics (formerly Invitae), Labcorp); PubMed 20209591 (cited by Labcorp Genetics (formerly Invitae), Labcorp); PubMed 25526974 (cited by Labcorp Genetics (formerly Invitae), Labcorp); PubMed 27724962 (cited by Labcorp Genetics (formerly Invitae), Labcorp).